The following is an entry in ClinVar:

NM_004385.5(VCAN):c.2417A>T (p.Asp806Val)

Gene: VCAN (versican; plus strand). Cytogenetic location: 5q14.3.
Variant type: single nucleotide variant.
Coding change: c.2417A>T on transcript NM_004385.5 (MANE Select); coding-DNA position 2417, A replaced by T.
Protein change: p.Asp806Val; replaces aspartic acid 806 with valine.
Molecular consequence: missense variant. On other transcripts: intron variant (2).
Genome position (GRCh38, 1-based): chr5:83,520,723, A>T. VCF-style: chr5-83520723-A-T. GRCh37 (hg19) VCF-style: chr5-82816542-A-T.
Other names: c.2417A>T, p.Asp806Val (NM_001164098.2); c.1042+8327A>T (NM_001164097.2, NM_001126336.3); short protein forms D806V.
Identifiers: ClinVar variation 963625 (VCV000963625.9), dbSNP rs1746054669, ClinGen allele CA360303890.

ClinVar aggregate classification (germline): Uncertain significance (1 of 4 stars; one submission).

Allele frequency attached by ClinVar (database versions not stated): gnomAD exomes below 0.00001.
gnomAD v4.1: 3 of 1,614,148 alleles (0.00019%); highest among the groups gnomAD compares: Non-Finnish European, 0.00025%; no homozygotes.

Submission:

Labcorp Genetics (formerly Invitae), Labcorp
Classification: Uncertain significance. Last evaluated: 2020-02-04. Review status: criteria provided, single submitter. Criteria: Invitae Variant Classification Sherloc (09022015). Collection method: clinical testing. Allele origin: germline.
Comment: Algorithms developed to predict the effect of missense changes on protein structure and function are either unavailable or do not agree on the potential impact of this missense change (SIFT: "Deleterious"; PolyPhen-2: "Benign"; Align-GVGD: "Class C45"). In summary, the available evidence is currently insufficient to determine the role of this variant in disease. Therefore, it has been classified as a Variant of Uncertain Significance. This variant has not been reported in the literature in individuals with VCAN-related conditions. This variant is not present in population databases (ExAC no frequency). This sequence change replaces aspartic acid with valine at codon 806 of the VCAN protein (p.Asp806Val). The aspartic acid residue is highly conserved and there is a large physicochemical difference between aspartic acid and valine.